The following is an entry in ClinVar:

NM_001394966.1(NEK10):c.1427G>A (p.Arg476His)

Gene: NEK10 (NIMA related kinase 10; minus strand). Cytogenetic location: 3p24.1.
Variant type: single nucleotide variant.
Coding change: c.1427G>A on transcript NM_001394966.1 (MANE Select); coding-DNA position 1427, G replaced by A.
Protein change: p.Arg476His; replaces arginine 476 with histidine.
Molecular consequence: missense variant.
Genome position (GRCh38, 1-based): chr3:27,291,533, C>T on the plus strand (G>A on the coding strand, the complement: NEK10 is on the minus strand). VCF-style: chr3-27291533-C-T. GRCh37 (hg19) VCF-style: chr3-27333024-C-T.
Other names: c.1427G>A, p.Arg476His (NM_001394963.1, NM_001394965.1, NM_001394970.1 and 3 more transcripts); c.1340G>A, p.Arg447His (NM_001394964.1, NM_001394967.1, NM_001394969.1); c.1448G>A, p.Arg483His (NM_001394968.1); short protein forms R447H, R476H, R483H.
Identifiers: ClinVar variation 4975320 (VCV004975320.1).

ClinVar aggregate classification (germline): Uncertain significance (1 of 4 stars; one submission).

gnomAD v4.1: 49 of 1,611,280 alleles (0.003%); highest among the groups gnomAD compares: Middle Eastern, 0.017%; no homozygotes.

Submission:

GeneDx
Classification: Uncertain significance. Last evaluated: 2026-01-25. Review status: criteria provided, single submitter. Criteria: GeneDx Variant Classification Process June 2021. Collection method: clinical testing. Allele origin: germline.
Comment: In silico analysis suggests that this missense variant does not alter protein structure/function; Has not been previously published as pathogenic or benign to our knowledge